The following is an entry in ClinVar:

NM_001382779.1(FBXL19):c.390G>A (p.Gln130=)

Gene: FBXL19 (F-box and leucine rich repeat protein 19; plus strand). Cytogenetic location: 16p11.2.
Variant type: single nucleotide variant.
Coding change: c.390G>A on transcript NM_001382779.1 (MANE Select); coding-DNA position 390, G replaced by A.
Protein change: p.Gln130=; no amino-acid change (glutamine 130 retained).
Molecular consequence: synonymous variant. On other transcripts: 5 prime UTR variant (1).
Genome position (GRCh38, 1-based): chr16:30,927,641, G>A. VCF-style: chr16-30927641-G-A. GRCh37 (hg19) VCF-style: chr16-30938962-G-A.
Other names: c.450G>A, p.Gln150= (NM_001099784.3); c.-489G>A (NM_001282351.1); c.456G>A, p.Gln152= (NM_001382780.1); c.390G>A, p.Gln130= (NM_001382781.1).
Identifiers: ClinVar variation 2646419 (VCV002646419.24), dbSNP rs200017689, ClinGen allele CA8015622.

ClinVar aggregate classification (germline): Likely benign (1 of 4 stars; one submission).

Allele frequency attached by ClinVar (database versions not stated): 1000 Genomes Project 30x 0.00047; ESP Exome Variant Server 0.00056; gnomAD exomes 0.00059; 1000 Genomes Project 0.00060; ExAC 0.00087; gnomAD 0.00089; TOPMed 0.00164.
gnomAD v4.1: 1,071 of 1,565,998 alleles (0.068%); highest among the groups gnomAD compares: Middle Eastern, 1%; 2 homozygotes.

Submission:

CeGaT Center for Human Genetics Tuebingen
Classification: Likely benign. Last evaluated: 2023-01-01. Review status: criteria provided, single submitter. Criteria: CeGaT Center For Human Genetics Tuebingen Variant Classification Criteria Version 2. Collection method: clinical testing. Allele origin: germline. Affected: yes. Observed: 1 variant allele.
Comment: FBXL19: BP4, BP7